The following is an entry in ClinVar:

ClinVar aggregate classification (germline): Uncertain significance (1 of 4 stars; one submission).

Submission:

Labcorp Genetics (formerly Invitae), Labcorp
Classification: Uncertain significance. Last evaluated: 2023-11-27. Review status: criteria provided, single submitter. Criteria: Invitae Variant Classification Sherloc (09022015). Collection method: clinical testing. Allele origin: germline.
Comment: This sequence change replaces proline, which is neutral and non-polar, with leucine, which is neutral and non-polar, at codon 824 of the AP3B2 protein (p.Pro824Leu). This variant is not present in population databases (gnomAD no frequency). This variant has not been reported in the literature in individuals affected with AP3B2-related conditions. ClinVar contains an entry for this variant (Variation ID: 1991773). Experimental studies and prediction algorithms are not available or were not evaluated, and the functional significance of this variant is currently unknown. In summary, the available evidence is currently insufficient to determine the role of this variant in disease. Therefore, it has been classified as a Variant of Uncertain Significance.

NM_001278512.2(AP3B2):c.2528C>T (p.Pro843Leu)

Genes: AP3B2 (adaptor related protein complex 3 subunit beta 2; minus strand), CPEB1-AS1 (CPEB1 antisense RNA 1; plus strand), LOC113939947 (Sharpr-MPRA regulatory region 5793; plus strand). Cytogenetic location: 15q25.2.
Variant type: single nucleotide variant.
Coding change: c.2528C>T on transcript NM_001278512.2 (MANE Select); coding-DNA position 2528, C replaced by T.
Protein change: p.Pro843Leu; replaces proline 843 with leucine.
Molecular consequence: missense variant.
Genome position (GRCh38, 1-based): chr15:82,663,203, G>A on the plus strand (C>T on the coding strand, the complement: AP3B2 is on the minus strand). VCF-style: chr15-82663203-G-A. GRCh37 (hg19) VCF-style: chr15-83331955-G-A.
Other names: c.2375C>T, p.Pro792Leu (NM_001278511.2); c.2471C>T, p.Pro824Leu (NM_004644.5); short protein forms P792L, P824L, P843L.
Identifiers: ClinVar variation 1991773 (VCV001991773.4), dbSNP rs2548695759, ClinGen allele CA393309753.